The following is an entry in ClinVar:

NM_199461.4(NANOS1):c.502GCC[7] (p.Ala173_Thr174insAla)

Gene: NANOS1 (nanos C2HC-type zinc finger 1; plus strand). Cytogenetic location: 10q26.11.
Variant type: Microsatellite.
Coding change: c.502GCC[7] on transcript NM_199461.4 (MANE Select); seven copies in a row of the 3-base unit GCC starting at c.502; the reference has six copies in a row; one copy, 3 bases duplicated.
Protein change: p.Ala173_Thr174insAla.
Genome position (GRCh38, 1-based): chr10:119,030,318-119,030,320, GCC duplicated; duplicating any 3 consecutive bases within chr10:119,030,301-119,030,320 gives the same sequence; the position shown is the placement nearest the transcript's 3' end. VCF-style (leftmost placement, unchanged base first): chr10-119030300-C-CCCG. GRCh37 (hg19) VCF-style: chr10-120789812-C-CCCG.
Identifiers: ClinVar variation 3049116 (VCV003049116.2), dbSNP rs538539239, ClinGen allele CA214154379.

ClinVar aggregate classification (germline): Benign (0 of 4 stars; one submission).

Conditions:
NANOS1-related disorder. Also called: NANOS1-related condition.

Submission:

PreventionGenetics, part of Exact Sciences
Classification: Benign for NANOS1-related condition. Last evaluated: 2022-04-14. Review status: no assertion criteria provided. Collection method: clinical testing. Allele origin: germline.
Comment: This variant is classified as benign based on ACMG/AMP sequence variant interpretation guidelines (Richards et al. 2015 PMID: 25741868, with internal and published modifications).